The following is an entry in ClinVar:

ClinVar aggregate classification (germline): Uncertain significance (1 of 4 stars; one submission).

Submission:

Women's Health and Genetics/Laboratory Corporation of America, LabCorp
Classification: Uncertain significance. Last evaluated: 2026-04-28. Review status: criteria provided, single submitter. Criteria: LabCorp Variant Classification Summary - May 2015. Collection method: clinical testing. Allele origin: germline.
Comment: Variant summary: The variant involves the duplication of exons 2-9 in the NLRC4 gene. A presumed nomenclature of c.(-119+1_-118-1)_(*25_?)dup has been designated for the purposes of this classification. This deletion includes the entire coding sequence of the gene. As the exact proximal and distal breakpoints are unknown, it may extend beyond the annotated region of the gene to include other flanking genes. The variant was absent in 21694 control chromosomes. The available data on variant occurrences in the general population are insufficient to allow any conclusion about variant significance. To our knowledge, no occurrence of c.(-119+1_-118-1)_(*25_?)dup in individuals affected with NLRC4-related conditions and no experimental evidence demonstrating its impact on protein function have been reported. ClinVar contains an entry for this variant (Variation ID: 1434040). Based on the evidence outlined above, the variant was classified as uncertain significance.

NC_000002.11:g.(?_32449517)_(32481963_32490655)dup

Gene: NLRC4 (NLR family CARD domain containing 4; minus strand). Cytogenetic location: 2p22.3.
Variant type: Duplication.
Identifiers: ClinVar variation 4848682 (VCV004848682.1).